The following is an entry in ClinVar:

NM_001130823.3(DNMT1):c.694C>A (p.Pro232Thr)

Gene: DNMT1 (DNA methyltransferase 1; minus strand). Cytogenetic location: 19p13.2.
Variant type: single nucleotide variant.
Coding change: c.694C>A on transcript NM_001130823.3 (MANE Select); coding-DNA position 694, C replaced by A.
Protein change: p.Pro232Thr; replaces proline 232 with threonine.
Molecular consequence: missense variant.
Genome position (GRCh38, 1-based): chr19:10,173,164, G>T on the plus strand (C>A on the coding strand, the complement: DNMT1 is on the minus strand). VCF-style: chr19-10173164-G-T. GRCh37 (hg19) VCF-style: chr19-10283840-G-T.
Other names: c.646C>A, p.Pro216Thr (NM_001318730.2, NM_001379.4); c.331C>A, p.Pro111Thr (NM_001318731.2); short protein forms P216T, P232T, P111T.
Identifiers: ClinVar variation 754741 (VCV000754741.12), dbSNP rs374856119, ClinGen allele CA9188634.
Genomic context (GRCh38, chr19:10,173,164, plus strand): 5'-CTTCTTCCTTTTCAGTGCGCGTTCCTGATTTTGCTCTTTCAGGTTCTTCTGCAGGAAGCG[G>T]TCTAGCAACTCTGTCAAGCAAAATAACACAGACCCCAAGTGTGAGTGCCAGGAGCTTCCC-3'
Protein context (NP_001124295.1, residues 222-242): RVTSRERVAR[Pro232Thr]LPAEEPERAK

ClinVar aggregate classification (germline): Conflicting classifications of pathogenicity. Review status: criteria provided, conflicting classifications (1 of 4 stars). 3 submissions from 3 submitters: Uncertain significance (1); Likely benign (1). 1 of the submissions does not count toward it. Last evaluated 2025-09-10.

Conditions:
Inborn genetic diseases. Identifiers: MedGen C0950123, MeSH D030342.
Hereditary sensory neuropathy-deafness-dementia syndrome. Also called: Hereditary sensory neuropathy type IE; NEUROPATHY, HEREDITARY SENSORY, WITH HEARING LOSS AND DEMENTIA; Hereditary Sensory and Autonomic Neuropathy Type 1E (HSAN1E); HSN IE. Identifiers: Orphanet 456318, MedGen C3279885, MONDO:0013584, OMIM 614116.

Allele frequency attached by ClinVar (database versions not stated): ExAC 0.00001; gnomAD exomes 0.00001; ESP Exome Variant Server 0.00008.
gnomAD v4.1: 42 of 1,614,096 alleles (0.0026%); highest among the groups gnomAD compares: Non-Finnish European, 0.0035%; no homozygotes.

Submissions (3):

Labcorp Genetics (formerly Invitae), Labcorp
Classification: Likely benign for Hereditary sensory neuropathy-deafness-dementia syndrome. Last evaluated: 2025-09-10. Review status: criteria provided, single submitter. Criteria: Invitae Variant Classification Sherloc (09022015). Collection method: clinical testing. Allele origin: germline.

Ambry Genetics
Classification: Uncertain significance for Inborn genetic diseases. Last evaluated: 2022-02-20. Review status: criteria provided, single submitter. Criteria: Ambry Variant Classification Scheme 2023. Collection method: clinical testing. Allele origin: germline.
Comment: The p.P216T variant (also known as c.646C>A), located in coding exon 8 of the DNMT1 gene, results from a C to A substitution at nucleotide position 646. The proline at codon 216 is replaced by threonine, an amino acid with highly similar properties. This amino acid position is not well conserved in available vertebrate species. In addition, this alteration is predicted to be tolerated by in silico analysis. Since supporting evidence is limited at this time, the clinical significance of this alteration remains unclear.

Department of Pathology and Laboratory Medicine, Sinai Health System
Classification: Uncertain significance. Review status: no assertion criteria provided. Collection method: clinical testing. Allele origin: unknown. Affected: yes. Study: The Canadian Open Genetics Repository (COGR). Not counted in ClinVar's aggregate classification.
Comment: The DNMT1 p.Pro216Thr variant was not identified in the literature nor was it identified in ClinVar, Cosmic or LOVD 3.0. The variant was identified in dbSNP (ID: rs374856119) and in control databases in 2 of 251436 chromosomes at a frequency of 0.000008 (Genome Aggregation Database Feb 27, 2017). The variant was observed in the European (non-Finnish) population in 2 of 113724 chromosomes (freq: 0.000018); it was not observed in the African, Latino, Ashkenazi Jewish, East Asian, European (Finnish), Other or South Asian populations. The p.Pro216 residue is not conserved in mammals and four out of five computational analyses (PolyPhen-2, SIFT, AlignGVGD, MutationTaster) do not suggest a high likelihood of impact to the protein; however, this information is not predictive enough to rule out pathogenicity. The variant occurs outside of the splicing consensus sequence and in silico or computational prediction software programs (SpliceSiteFinder, MaxEntScan, NNSPLICE, GeneSplicer) do not predict a difference in splicing. In summary, based on the above information the clinical significance of this variant cannot be determined with certainty at this time. This variant is classified as a variant of uncertain significance.